The following is an entry in ClinVar:

NM_001048174.2(MUTYH):c.650G>A (p.Arg217His)

Gene: MUTYH (mutY DNA glycosylase; minus strand). Cytogenetic location: 1p34.1.
Variant type: single nucleotide variant.
Coding change: c.650G>A on transcript NM_001048174.2 (MANE Select); coding-DNA position 650, G replaced by A.
Protein change: p.Arg217His; replaces arginine 217 with histidine.
Molecular consequence: missense variant. On other transcripts: non-coding transcript variant (2).
Genome position (GRCh38, 1-based): chr1:45,332,445, C>T on the plus strand (G>A on the coding strand, the complement: MUTYH is on the minus strand). VCF-style: chr1-45332445-C-T. GRCh37 (hg19) VCF-style: chr1-45798117-C-T.
Other names: p.R245H:CGT>CAT; c.650G>A, p.Arg217His (NM_001048171.2, NM_001048173.2, NM_001293195.2); c.653G>A, p.Arg218His (NM_001048172.2); c.734G>A, p.Arg245His (NM_001128425.2); c.695G>A, p.Arg232His (NM_001293190.2); c.683G>A, p.Arg228His (NM_001293191.2); c.374G>A, p.Arg125His (NM_001293192.2, NM_001293196.2); c.305G>A, p.Arg102His (NM_001350650.2, NM_001350651.2); and 1 more; short protein forms R245H, R231H, R102H, R125H, R217H, R242H, R218H, R228H.
Identifiers: ClinVar variation 140877 (VCV000140877.91), dbSNP rs140342925, ClinGen allele CA014226.

ClinVar aggregate classification (germline): Pathogenic/Likely pathogenic. Review status: criteria provided, multiple submitters, no conflicts (2 of 4 stars). 32 submissions from 31 submitters: Pathogenic (25); Likely pathogenic (4). 3 of the submissions do not count toward it. Last evaluated 2026-08-02.

Conditions:
MUTYH-related disorder. Also called: MUTYH-related condition; MUTYH-related disorders.
Familial adenomatous polyposis 2. Also called: COLORECTAL ADENOMATOUS POLYPOSIS, AUTOSOMAL RECESSIVE; ADENOMAS, MULTIPLE COLORECTAL, AUTOSOMAL RECESSIVE; MUTYH-associated polyposis; MUTYH-related attenuated familial adenomatous polyposis; FAP type 2; MYH-associated polyposis. Identifiers: Orphanet 220460, Orphanet 247798, MedGen C3272841, MONDO:0012041, OMIM 608456.
Gastric cancer. Also called: Stomach cancer; Malignant tumor of stomach. Identifiers: MedGen C0024623, MeSH D013274, MONDO:0001056, OMIM 613659, HP:0012126.
Diffuse midline glioma, H3 K27-altered. Identifiers: MedGen C5669877, MONDO:1060171.
Pilomatrixoma (PTR). Also called: PILOMATRICOMA; Pilomatricoma, somatic; EPITHELIOMA CALCIFICANS OF MALHERBE. Identifiers: Orphanet 91414, MedGen C0206711, MeSH D018296, MONDO:0007564, OMIM 132600, HP:0030434.
Neoplasm of stomach. Also called: Stomach Neoplasms; Gastric neoplasm; Neoplasm of the stomach. Identifiers: MedGen C0038356, MONDO:0021085, HP:0006753. Disease mechanism: gain of function. Inheritance: Somatic mutation.
Hereditary cancer-predisposing syndrome. Also called: Neoplastic Syndromes, Hereditary; Hereditary Cancer Syndrome; Tumor predisposition; Hereditary neoplastic syndrome. Identifiers: Orphanet 140162, MedGen C0027672, MeSH D009386, MONDO:0015356.
Carcinoma of colon (CRC). Also called: Colonic carcinoma; Colon carcinoma. Identifiers: MedGen C0699790, MONDO:0002032.
Breast carcinoma. Also called: Carcinoma of breast. Identifiers: MedGen C0678222, MONDO:0004989, HP:0003002.

Allele frequency attached by ClinVar (database versions not stated): ESP Exome Variant Server 0.00008; ExAC 0.00013; gnomAD exomes 0.00006 and 0.00008; gnomAD 0.00009; TOPMed 0.00009.

Submissions 1 to 8 of 32:

PreventionGenetics, part of Exact Sciences
Classification: Pathogenic for MUTYH-related condition. Last evaluated: 2026-08-02. Review status: criteria provided, single submitter. Criteria: ACMG Guidelines, 2015. Collection method: clinical testing. Allele origin: germline.
Comment: The MUTYH c.734G>A variant is predicted to result in the amino acid substitution p.Arg245His. This variant has been reported in the homozygous and compound heterozygous state in multiple patients with autosomal recessive adenomatous polyposis coli (Aceto et al. 2005. PubMed ID: 16134147; Kacerovska et al. 2016. PubMed ID: 27870730; Vogt et al. 2009. PubMed ID: 19732775). This variant is also known as as c.692G>A (p.Arg231His) in the published literature. Functional studies of the p.Arg245His variant demonstrate that it is deficient in enzymatic and DNA binding activities (Ali et al. 2008. PubMed ID: 18534194). This variant is associated with a statistically significant increase in spontaneous mutation frequency in both homozygous and monoallelic heterozygous lymphoblastoid cell lines derived from MUTYH-associated polyposis patients (Grasso et al. 2014. PubMed ID: 24569162). This variant is reported in 0.025% of alleles in individuals of East Asian descent in gnomAD and has been interpreted as likely pathogenic and pathogenic in the ClinVar database (Variation ID: 140877). This variant is interpreted as pathogenic.

Labcorp Genetics (formerly Invitae), Labcorp
Classification: Pathogenic for Familial adenomatous polyposis 2. Last evaluated: 2026-01-19. Review status: criteria provided, single submitter. Criteria: Invitae Variant Classification Sherloc (09022015). Collection method: clinical testing. Allele origin: germline.
Comment: This sequence change replaces arginine, which is basic and polar, with histidine, which is basic and polar, at codon 245 of the MUTYH protein (p.Arg245His). This variant is present in population databases (rs140342925, gnomAD 0.03%). This missense change has been observed in individual(s) with familial adenomatous polyposis and colorectal cancer (PMID: 16134147, 16557584, 19732775, 23108399, 24444654, 26446593). In at least one individual the data is consistent with being in trans (on the opposite chromosome) from a pathogenic variant. This variant is also known as c.692G>A (p.Arg231His). ClinVar contains an entry for this variant (Variation ID: 140877). An algorithm developed to predict the effect of missense changes on protein structure and function (PolyPhen-2) suggests that this variant is likely to be disruptive. Experimental studies have shown that this missense change affects MUTYH function (PMID: 17081686, 18534194, 23108399, 24569162, 25820570). For these reasons, this variant has been classified as Pathogenic.

Center for Genomic Medicine, Rigshospitalet, Copenhagen University Hospital
Classification: Likely pathogenic. Last evaluated: 2025-12-29. Review status: criteria provided, single submitter. Criteria: ACMG Guidelines, 2015. Collection method: clinical testing. Allele origin: germline.

Ambry Genetics
Classification: Pathogenic for Hereditary cancer-predisposing syndrome. Last evaluated: 2025-08-13. Review status: criteria provided, single submitter. Criteria: Ambry Variant Classification Scheme 2023. Collection method: clinical testing. Allele origin: germline.
Comment: The c.734G>A (p.R245H) alteration is located in exon 9 (coding exon 9) of the MUTYH gene. This alteration results from a G to A substitution at nucleotide position 734, causing the arginine (R) at amino acid position 245 to be replaced by a histidine (H). Based on data from gnomAD, the A allele has an overall frequency of 0.009% (24/281670) total alleles studied. The highest observed frequency was 0.025% (5/19802) of East Asian alleles. This alteration has been reported in both the homozygous and compound heterozygous state in multiple individuals with colon polyposis and/or colorectal cancer (Aceto, 2005; Russell, 2006; Piccioli, 2006; Olschwang, 2007; Jones, 2009; Vogt, 2009; Morak, 2010; Win, 2014; Papp, 2016; Kacerovska, 2016; Ricci, 2017; Viel, 2017; Yanus, 2018; Sutcliffe, 2019; Staninova-Stojovska, 2019). Of note, this alteration is also designated as p.R231H (c.692G>A) in published literature. This amino acid position is highly conserved in available vertebrate species. Functional studies have shown that the p.R245H mutation, which exists in the highly conserved and catalytic domain of MUTYH, results in severely defective glycosylase activity, severely defective DNA binding activity, and protein expression levels roughly half of that compared to wild-type (Ali, 2008; Komine, 2015). This alteration is predicted to be deleterious by in silico analysis. Based on the available evidence, this alteration is classified as pathogenic.

Mayo Clinic Laboratories, Mayo Clinic
Classification: Pathogenic. Last evaluated: 2025-06-10. Review status: criteria provided, single submitter. Criteria: ACMG Guidelines, 2015. Collection method: clinical testing. Allele origin: germline. Observed: 1 variant allele.
Comment: PP1_moderate, PP3_moderate, PP4, PM3_very_strong

Blueprint Genetics
Classification: Pathogenic for MUTYH-related disorders. Last evaluated: 2024-10-17. Review status: criteria provided, single submitter. Criteria: ACMG Guidelines, 2015. Collection method: clinical testing. Allele origin: germline. Affected: yes. Observed: 5 variant alleles.

All of Us Research Program, National Institutes of Health
Classification: Pathogenic for Familial adenomatous polyposis 2. Last evaluated: 2024-07-29. Review status: criteria provided, single submitter. Criteria: ACMG Guidelines, 2015. Collection method: clinical testing. Allele origin: germline. Inheritance: Autosomal recessive inheritance. Observed: 25 variant alleles, 25 heterozygotes.
Comment: This missense variant replaces arginine with histidine at codon 245 of the MUTYH protein. This variant is also known by an alternative transcript, NM_001048171, as c.692G>A (p.Arg231His). A different variant affecting the same codon, c.733C>T (p.Arg245Cys), is considered to be disease-causing (ClinVar variation ID: 41761). Computational prediction suggests that this variant may have deleterious impact on protein structure and function (internally defined REVEL score threshold >= 0.7, PMID: 27666373). Functional studies found this variant to be defective in glycosylase assays (PMID: 18534194, 23108399) and caused abnormal increase in DNA 8-oxo-7,8-dihydro-2'-deoxyguanosine (8-oxodG) and mutation frequency (PMID: 23108399, 24569162). This variant has been reported in multiple individuals who are heterozygous and homozygous carriers and affected with polyposis and colorectal cancer (PMID: 16134147,19394335, 19732775, 23108399, 25590978, 29406563, 29967336, 34704405). This variant has been identified in 24/281670 chromosomes in the general population by the Genome Aggregation Database (gnomAD). Based on the available evidence, this variant is classified as Pathogenic.

This study involves interpretation of variants in research participants for the purpose of population health screening. Participant phenotype was not available at the time of variant classification. Additional details can be found in publication PMID: 35346344, PMCID: PMC8962531

Fulgent Genetics
Classification: Pathogenic for Familial adenomatous polyposis 2; Gastric cancer. Last evaluated: 2024-04-29. Review status: criteria provided, single submitter. Criteria: ACMG Guidelines, 2015. Collection method: clinical testing. Allele origin: germline.